The following is an entry in ClinVar:

NM_003059.3(SLC22A4):c.722T>A (p.Val241Asp)

Genes: MIR3936HG (MIR3936 host gene; minus strand), SLC22A4 (solute carrier family 22 member 4; plus strand). Cytogenetic location: 5q31.1.
Variant type: single nucleotide variant.
Coding change: c.722T>A on transcript NM_003059.3 (MANE Select); coding-DNA position 722, T replaced by A.
Protein change: p.Val241Asp; replaces valine 241 with aspartic acid.
Molecular consequence: missense variant.
Genome position (GRCh38, 1-based): chr5:132,322,253, T>A. VCF-style: chr5-132322253-T-A. GRCh37 (hg19) VCF-style: chr5-131657946-T-A.
Other names: short protein forms V241D.
Identifiers: ClinVar variation 4770007 (VCV004770007.1).

ClinVar aggregate classification (germline): Uncertain significance (1 of 4 stars; one submission).

gnomAD v4.1: 14 of 1,613,964 alleles (0.00087%); highest among the groups gnomAD compares: South Asian, 0.015%; no homozygotes.

Submission:

Labcorp Genetics (formerly Invitae), Labcorp
Classification: Uncertain significance. Last evaluated: 2025-02-13. Review status: criteria provided, single submitter. Criteria: Invitae Variant Classification Sherloc (09022015). Collection method: clinical testing. Allele origin: germline.
Comment: This sequence change replaces valine, which is neutral and non-polar, with aspartic acid, which is acidic and polar, at codon 241 of the SLC22A4 protein (p.Val241Asp). This variant is present in population databases (rs541967934, gnomAD 0.02%). This variant has not been reported in the literature in individuals affected with SLC22A4-related conditions. Invitae Evidence Modeling of protein sequence and biophysical properties (such as structural, functional, and spatial information, amino acid conservation, physicochemical variation, residue mobility, and thermodynamic stability) indicates that this missense variant is expected to disrupt SLC22A4 protein function with a positive predictive value of 80%. Algorithms developed to predict the effect of sequence changes on RNA splicing suggest that this variant may disrupt the consensus splice site. In summary, the available evidence is currently insufficient to determine the role of this variant in disease. Therefore, it has been classified as a Variant of Uncertain Significance.